The following is an entry in ClinVar:

NM_024642.5(GALNT12):c.307A>G (p.Ile103Val)

Gene: GALNT12 (polypeptide N-acetylgalactosaminyltransferase 12; plus strand). Cytogenetic location: 9q22.33.
Variant type: single nucleotide variant.
Coding change: c.307A>G on transcript NM_024642.5 (MANE Select); coding-DNA position 307, A replaced by G.
Protein change: p.Ile103Val; replaces isoleucine 103 with valine.
Molecular consequence: missense variant.
Genome position (GRCh38, 1-based): chr9:98,808,005, A>G. VCF-style: chr9-98808005-A-G. GRCh37 (hg19) VCF-style: chr9-101570287-A-G.
Other names: short protein forms I103V.
Identifiers: ClinVar variation 4670616 (VCV004670616.1).

ClinVar aggregate classification (germline): Uncertain significance (1 of 4 stars; one submission).

Submission:

Ambry Genetics
Classification: Uncertain significance. Last evaluated: 2025-09-23. Review status: criteria provided, single submitter. Criteria: Ambry Variant Classification Scheme 2023. Collection method: clinical testing. Allele origin: germline.
Comment: The p.I103V variant (also known as c.307A>G), located in coding exon 1 of the GALNT12 gene, results from an A to G substitution at nucleotide position 307. The isoleucine at codon 103 is replaced by valine, an amino acid with highly similar properties. This amino acid position is conserved. In addition, this alteration is predicted to be tolerated by in silico analysis. Based on the available evidence, the clinical significance of this variant remains unclear.